The following is an entry in ClinVar:

ClinVar aggregate classification (germline): Likely benign (1 of 4 stars; one submission).

Submission:

CeGaT Center for Human Genetics Tuebingen
Classification: Likely benign. Last evaluated: 2026-07-01. Review status: criteria provided, single submitter. Criteria: CeGaT Center For Human Genetics Tuebingen Variant Classification Criteria Version 2. Collection method: clinical testing. Allele origin: germline. Affected: yes. Observed: 2 variant alleles.
Comment: KCNA3: BS1

NM_002232.5(KCNA3):c.7G>T (p.Glu3Ter)

Gene: KCNA3 (potassium voltage-gated channel subfamily A member 3; minus strand). Cytogenetic location: 1p13.3.
Variant type: single nucleotide variant.
Coding change: c.7G>T on transcript NM_002232.5 (MANE Select); coding-DNA position 7, G replaced by T.
Protein change: p.Glu3Ter; replaces glutamic acid 3 with a stop codon.
Molecular consequence: nonsense.
Genome position (GRCh38, 1-based): chr1:110,674,803, C>A on the plus strand (G>T on the coding strand, the complement: KCNA3 is on the minus strand). VCF-style: chr1-110674803-C-A. GRCh37 (hg19) VCF-style: chr1-111217425-C-A.
Other names: short protein forms E3*.
Identifiers: ClinVar variation 3388471 (VCV003388471.14).